The following is an entry in ClinVar:

NM_152594.3(SPRED1):c.306_307dup (p.Phe103fs)

Gene: SPRED1 (sprouty related EVH1 domain containing 1; plus strand). Cytogenetic location: 15q14.
Variant type: Duplication.
Coding change: c.306_307dup on transcript NM_152594.3 (MANE Select); coding-DNA positions 306 to 307, 2 bases duplicated (GT; older notation c.306_307dupGT).
Protein change: p.Phe103fs; shifts the reading frame from phenylalanine 103.
Molecular consequence: frameshift variant.
Genome position (GRCh38, 1-based): chr15:38,322,339-38,322,340, GT duplicated. VCF-style (leftmost placement, unchanged base first): chr15-38322338-C-CGT. GRCh37 (hg19) VCF-style: chr15-38614539-C-CGT.
Other names: short protein forms F103fs.
Identifiers: ClinVar variation 650362 (VCV000650362.1), dbSNP rs1595746834, ClinGen allele CA915946528.

ClinVar aggregate classification (germline): Pathogenic (1 of 4 stars; one submission).

Conditions:
Legius syndrome. Identifiers: Orphanet 137605, MedGen C1969623, MONDO:0012669, OMIM 611431. Disease mechanism: loss of function.

Submission:

Labcorp Genetics (formerly Invitae), Labcorp
Classification: Pathogenic for Legius syndrome. Last evaluated: 2018-08-27. Review status: criteria provided, single submitter. Criteria: Invitae Variant Classification Sherloc (09022015). Collection method: clinical testing. Allele origin: germline.
Comment: This sequence change creates a premature translational stop signal (p.Phe103Cysfs*19) in the SPRED1 gene. It is expected to result in an absent or disrupted protein product. This variant is not present in population databases (ExAC no frequency). This variant has not been reported in the literature in individuals with SPRED1-related disease. Loss-of-function variants in SPRED1 are known to be pathogenic (PMID: 17704776). For these reasons, this variant has been classified as Pathogenic.